The following is an entry in ClinVar:

ClinVar aggregate classification (germline): Conflicting classifications of pathogenicity. Review status: criteria provided, conflicting classifications (1 of 4 stars). 7 submissions from 7 submitters: Likely pathogenic (3); Uncertain significance (4). Last evaluated 2025-01-01.

Conditions:
Hereditary cancer-predisposing syndrome. Also called: Neoplastic Syndromes, Hereditary; Hereditary Cancer Syndrome; Tumor predisposition; Hereditary neoplastic syndrome. Identifiers: Orphanet 140162, MedGen C0027672, MeSH D009386, MONDO:0015356.
Hereditary breast ovarian cancer syndrome. Also called: Hereditary breast and ovarian cancer syndrome; Hereditary breast and ovarian cancer syndrome (HBOC); Hereditary breast and ovarian cancer; Hereditary breast and/or ovarian cancer syndrome; Breast and ovarian cancer; BRCA1- and BRCA2-Associated Hereditary Breast and Ovarian Cancer. Identifiers: Orphanet 145, MedGen C0677776, MeSH D061325, MONDO:0003582. Disease mechanism: loss of function.
Familial cancer of breast. Also called: hereditary breast carcinoma; Hereditary breast cancer; BREAST CANCER, FAMILIAL. Identifiers: Orphanet 227535, MedGen C0346153, MONDO:0016419, OMIM 114480. Disease mechanism: loss of function.

Submissions (7):

CeGaT Center for Human Genetics Tuebingen
Classification: Likely pathogenic. Last evaluated: 2025-01-01. Review status: criteria provided, single submitter. Criteria: CeGaT Center For Human Genetics Tuebingen Variant Classification Criteria Version 2. Collection method: clinical testing. Allele origin: germline. Affected: yes. Observed: 1 variant allele.
Comment: BRCA2: PS3, PM2

German Consortium for Hereditary Breast and Ovarian Cancer, University Hospital Cologne
Classification: Likely pathogenic for Hereditary breast ovarian cancer syndrome. Last evaluated: 2024-10-08. Review status: criteria provided, single submitter. Criteria: ClinGen BRCA2 V1.1.0. Collection method: curation. Allele origin: germline.
Comment: According to the ClinGen ENIGMA BRCA2 v1.1.0 criteria we chose these criteria: PS3 (strong pathogenic): table 9 PS3 met (Richardson), PM2 (supporting pathogenic): Absent from controls in an outbred population, from gnomAD v2.1 (non-cancer, exomeonly subset) and gnomAD v3.1 (non-cancer), PP3 (supporting pathogenic): BayesDEL: 0.351529

Ambry Genetics
Classification: Uncertain significance for Hereditary cancer-predisposing syndrome. Last evaluated: 2023-08-05. Review status: criteria provided, single submitter. Criteria: Ambry Variant Classification Scheme 2023. Collection method: clinical testing. Allele origin: germline.
Comment: The p.G3003E variant (also known as c.9008G>A), located in coding exon 22 of the BRCA2 gene, results from a G to A substitution at nucleotide position 9008. The glycine at codon 3003 is replaced by glutamic acid, an amino acid with similar properties. This variant was non-functional in a homology-directed DNA repair (HDR) assay (Guidugli L et al. Am. J. Hum. Genet., 2018 02;102:233-248; Hart SN et al. Genet. Med., 2019 01;21:71-80; Richardson ME et al. Am J Hum Genet, 2021 Mar;108:458-468). This amino acid position is highly conserved in available vertebrate species. In addition, this alteration is predicted to be deleterious by in silico analysis. Since supporting evidence is limited at this time, the clinical significance of this alteration remains unclear.

Baylor Genetics
Classification: Uncertain significance for Familial cancer of breast. Last evaluated: 2023-01-28. Review status: criteria provided, single submitter. Criteria: ACMG Guidelines, 2015. Collection method: clinical testing. Allele origin: unknown.

Color Diagnostics, LLC DBA Color Health
Classification: Uncertain significance for Hereditary cancer-predisposing syndrome. Last evaluated: 2019-04-18. Review status: criteria provided, single submitter. Criteria: ACMG Guidelines, 2015. Collection method: clinical testing. Allele origin: germline.

Cancer Variant Interpretation Group UK, Institute of Cancer Research, London
Classification: Likely pathogenic for Hereditary Breast and Ovarian Cancer. Last evaluated: 2018-11-21. Review status: criteria provided, single submitter. Criteria: ACMG Guidelines, 2015. Collection method: curation. Allele origin: germline.
Comment: Data used in classification: The frequency of this variant is 0/138,632 individuals (gnomAD) (PM2_mod). This variant is predicted deleterious on AlignGVGD (class: C65), SIFT (Deleterious), Polyphen2 HumVar (probably damaging) and CADD (28) (PP3_sup). The variant is in the DNA-binding domain of BRCA2 (PM1_sup). In the VarCall Bayesian statistical model for VUS classification using functional assay data (Guidugli et al Am J Hum Genet 2018; 102:233-248, Couch Lab), the variant has a probability of being deleterious of 0.987 and an overall classification of pathogenic (PS3_strong). Data not used in classification: There are no additional reports of this variant in BIC or BRCA2 LOVD.

Labcorp Genetics (formerly Invitae), Labcorp
Classification: Uncertain significance for Hereditary breast ovarian cancer syndrome. Last evaluated: 2018-07-01. Review status: criteria provided, single submitter. Criteria: Invitae Variant Classification Sherloc (09022015). Collection method: clinical testing. Allele origin: germline.
Comment: Experimental studies for this variant have shown that this missense change causes deficient DNA repair by homologus recombination (PMID: 29394989). In summary, the available evidence is currently insufficient to determine the role of this variant in disease. Therefore, it has been classified as a Variant of Uncertain Significance. This variant has not been reported in the literature in individuals with BRCA2-related disease. This variant is not present in population databases (ExAC no frequency). This sequence change replaces glycine with glutamic acid at codon 3003 of the BRCA2 protein (p.Gly3003Glu). The glycine residue is highly conserved and there is a moderate physicochemical difference between glycine and glutamic acid.

Literature cited by the submitters: PubMed 29394989 (cited by 3 submitters); PubMed 29884841 (cited by Ambry Genetics); PubMed 33609447 (cited by Ambry Genetics).

NM_000059.4(BRCA2):c.9008G>A (p.Gly3003Glu)

Gene: BRCA2 (BRCA2 DNA repair associated; plus strand). Cytogenetic location: 13q13.1.
Variant type: single nucleotide variant.
Coding change: c.9008G>A on transcript NM_000059.4 (MANE Select); coding-DNA position 9008, G replaced by A.
Protein change: p.Gly3003Glu; replaces glycine 3003 with glutamic acid.
Molecular consequence: missense variant.
Genome position (GRCh38, 1-based): chr13:32,379,804, G>A. VCF-style: chr13-32379804-G-A. GRCh37 (hg19) VCF-style: chr13-32953941-G-A.
Other names: short protein forms G3003E.
Identifiers: ClinVar variation 628932 (VCV000628932.34), dbSNP rs1566253139, ClinGen allele CA387757458.